The following is an entry in ClinVar:

ClinVar aggregate classification (germline): Pathogenic. Review status: criteria provided, multiple submitters, no conflicts (2 of 4 stars). 7 submissions from 7 submitters: Pathogenic (7). Last evaluated 2025-12-20.

Conditions:
CFTR-related disorder (CFTR-RD). Also called: CFTR-related disorders; CFTR-related condition. Identifiers: MedGen C5924204, MONDO:7770004.
Cystic fibrosis (CF). Also called: MUCOVISCIDOSIS. Identifiers: Orphanet 586, MedGen C0010674, MONDO:0009061, OMIM 219700. Disease mechanism: loss of function.
Bronchiectasis with or without elevated sweat chloride 1 (BESC1). Also called: Cystic Fibrosis-Like Syndrome. Identifiers: Orphanet 60033, MedGen C2749757, MONDO:0008887, OMIM 211400.

Allele frequency attached by ClinVar (database versions not stated): TOPMed 0.00001.

Submissions (7):

Labcorp Genetics (formerly Invitae), Labcorp
Classification: Pathogenic for Cystic fibrosis. Last evaluated: 2025-12-20. Review status: criteria provided, single submitter. Criteria: Invitae Variant Classification Sherloc (09022015). Collection method: clinical testing. Allele origin: germline.
Comment: This sequence change affects a donor splice site in intron 6 of the CFTR gene. It is expected to disrupt RNA splicing. Variants that disrupt the donor or acceptor splice site typically lead to a loss of protein function (PMID: 16199547), and loss-of-function variants in CFTR are known to be pathogenic (PMID: 1695717, 7691345, 9725922). This variant is not present in population databases (gnomAD no frequency). Disruption of this splice site has been observed in individuals with cystic fibrosis (PMID: 12454843, 19481507). This variant is also known as 875+1G>A. ClinVar contains an entry for this variant (Variation ID: 54051). Algorithms developed to predict the effect of sequence changes on RNA splicing suggest that this variant may disrupt the consensus splice site. For these reasons, this variant has been classified as Pathogenic.

Natera, Inc.
Classification: Pathogenic for CFTR-related disorders. Last evaluated: 2024-05-03. Review status: criteria provided, single submitter. Criteria: Natera Variant Classification Schema (03/2026). Collection method: clinical testing. Allele origin: germline.
Comment: The c.743+1G>A variant in CFTR is a canonical splice donor site variant predicted to affect pre-mRNA splicing, which may result in an abnormal transcript and altered protein product. This variant is expected to result in nonsense mediated decay, truncation, or a dysfunctional protein product. This variant is rare in the general population with a frequency below the threshold expected for the associated phenotype(s). This variant has been observed in one or more individuals affected with the associated recessive disease, as either homozygous or compound heterozygous with a second variant (PMID: 23687349). Given the available evidence, this variant is classified as Pathogenic.

Baylor Genetics
Classification: Pathogenic for Bronchiectasis with or without elevated sweat chloride 1. Last evaluated: 2023-10-18. Review status: criteria provided, single submitter. Criteria: ACMG Guidelines, 2015. Collection method: clinical testing. Allele origin: unknown.

Women's Health and Genetics/Laboratory Corporation of America, LabCorp
Classification: Pathogenic for Cystic fibrosis. Last evaluated: 2023-06-12. Review status: criteria provided, single submitter. Criteria: LabCorp Variant Classification Summary - May 2015. Collection method: clinical testing. Allele origin: germline.
Comment: Variant summary: CFTR c.743+1G>A is located in a canonical splice-site and is predicted to affect mRNA splicing resulting in a significantly altered protein due to either exon skipping, shortening, or inclusion of intronic material. 3/3 computational tools predict the variant has a significant impact on normal splicing by abolishing the canonical 5' splicing donor site. However, these predictions have yet to be confirmed by functional studies. The variant was absent in 251316 control chromosomes (gnomAD). c.743+1G>A has been reported in the literature in individuals affected with Cystic Fibrosis (e.g. Casals_1997, Spinelli_2009, Trujillano_2013, Nunes_2017) and in a CF patient in the SickKids CF mutation database (pers. corr.Duarte 1994). These data indicate that the variant is likely to be associated with disease. The following publications have been ascertained in the context of this evaluation (PMID: 9439669, 28771972, 19481507, 23687349). Three submitters have provided clinical-significance assessments for this variant to ClinVar after 2014 and all classified the variant as pathogenic. Based on the evidence outlined above, the variant was classified as pathogenic.

Institute of Human Genetics, University of Leipzig Medical Center
Classification: Pathogenic for Cystic fibrosis. Last evaluated: 2022-09-05. Review status: criteria provided, single submitter. Criteria: ACMG Guidelines, 2015. Collection method: curation. Allele origin: unknown. Affected: yes. Observed: 1 variant allele.
Comment: The variant was classified in the context of a project re-classifying variants in the German Cystic Fibrosis Registry (Muko.e.V.). Criteria applied: PVS1, PS1_SUP, PS3_SUP, PM2_SUP, PM3, PP4

Mendelics
Classification: Pathogenic for Cystic fibrosis. Last evaluated: 2018-11-05. Review status: criteria provided, single submitter. Criteria: Mendelics Assertion Criteria 2017. Collection method: clinical testing. Allele origin: unknown. Affected: yes.

Eurofins Ntd Llc (ga)
Classification: Pathogenic. Last evaluated: 2016-07-06. Review status: criteria provided, single submitter. Criteria: EGL Classification Definitions 2015. Collection method: clinical testing. Allele origin: germline. Observed: 1 variant allele, 1 heterozygote.

Literature cited by the submitters: PubMed 16199547 (cited by Labcorp Genetics (formerly Invitae), Labcorp); PubMed 1695717 (cited by Labcorp Genetics (formerly Invitae), Labcorp); PubMed 7691345 (cited by Labcorp Genetics (formerly Invitae), Labcorp); PubMed 9725922 (cited by Labcorp Genetics (formerly Invitae), Labcorp); PubMed 12454843 (cited by Labcorp Genetics (formerly Invitae), Labcorp); PubMed 19481507 (cited by Labcorp Genetics (formerly Invitae), Labcorp and Women's Health and Genetics/Laboratory Corporation of America, LabCorp); PubMed 23687349 (cited by Natera, Inc. and Women's Health and Genetics/Laboratory Corporation of America, LabCorp); PubMed 9439669 (cited by Women's Health and Genetics/Laboratory Corporation of America, LabCorp); PubMed 28771972 (cited by Women's Health and Genetics/Laboratory Corporation of America, LabCorp).

NM_000492.4(CFTR):c.743+1G>A

Gene: CFTR (CF transmembrane conductance regulator; plus strand). Cytogenetic location: 7q31.2.
Variant type: single nucleotide variant.
Coding change: c.743+1G>A on transcript NM_000492.4 (MANE Select); the canonical splice donor site of the intron after coding-DNA position 743, G replaced by A.
Molecular consequence: splice donor variant.
Genome position (GRCh38, 1-based): chr7:117,535,412, G>A. VCF-style: chr7-117535412-G-A. GRCh37 (hg19) VCF-style: chr7-117175466-G-A.
Other names: 875+1G->A.
Identifiers: ClinVar variation 54051 (VCV000054051.12), dbSNP rs397508791, ClinGen allele CA327643.